The following is an entry in ClinVar:

ClinVar aggregate classification (germline): Pathogenic (1 of 4 stars; one submission).

Submission:

GeneDx
Classification: Pathogenic. Last evaluated: 2017-03-24. Review status: criteria provided, single submitter. Criteria: GeneDx Variant Classification (06012015). Collection method: clinical testing. Allele origin: germline. Affected: yes.
Comment: The c.2713delG variant in the KMT2D gene has not been reported previously as a pathogenic variant nor as a benign variant, to our knowledge. The c.2713delG variant causes a frameshift starting with codon Glutamic acid 905, changes this amino acid to aAsparagine residue, and creates a premature Stop codon at position 25 of the new reading frame, denoted p.Glu905AsnfsX25. This variant is predicted to cause loss of normal protein function either through protein truncation or nonsense-mediated mRNA decay. The c.2713delG variant is not observed in large population cohorts (Lek et al., 2016; 1000 Genomes Consortium et al., 2015; Exome Variant Server). We interpret c.2713delG as a pathogenic variant, which is consistent with the clinical features reported in this individual.

NM_003482.4(KMT2D):c.2713del (p.Glu905fs)

Gene: KMT2D (lysine methyltransferase 2D; minus strand). Cytogenetic location: 12q13.12.
Variant type: Deletion.
Coding change: c.2713del on transcript NM_003482.4 (MANE Select); coding-DNA position 2713, one base deleted (G; older notation c.2713delG).
Protein change: p.Glu905fs; shifts the reading frame from glutamic acid 905.
Molecular consequence: frameshift variant.
Genome position (GRCh38, 1-based): chr12:49,050,970, C deleted on the plus strand (G on the coding strand, the reverse complement: KMT2D is on the minus strand); the first of 4 consecutive C bases (chr12:49,050,970-49,050,973); deleting any one gives the same sequence. VCF-style (leftmost placement, unchanged base first): chr12-49050969-TC-T. GRCh37 (hg19) VCF-style: chr12-49444752-TC-T.
Other names: c.2713delG (NM_003482.3); short protein forms E905fs.
Identifiers: ClinVar variation 424486 (VCV000424486.2), dbSNP rs1064796995, ClinGen allele CA16619542.